The following is an entry in ClinVar:

NM_004304.5(ALK):c.1749T>A (p.His583Gln)

Gene: ALK (ALK receptor tyrosine kinase; minus strand). Cytogenetic location: 2p23.2.
Variant type: single nucleotide variant.
Coding change: c.1749T>A on transcript NM_004304.5 (MANE Select); coding-DNA position 1749, T replaced by A.
Protein change: p.His583Gln; replaces histidine 583 with glutamine.
Molecular consequence: missense variant.
Genome position (GRCh38, 1-based): chr2:29,296,956, A>T on the plus strand (T>A on the coding strand, the complement: ALK is on the minus strand). VCF-style: chr2-29296956-A-T. GRCh37 (hg19) VCF-style: chr2-29519822-A-T.
Other names: short protein forms H583Q.
Identifiers: ClinVar variation 573537 (VCV000573537.11), dbSNP rs761184891, ClinGen allele CA1594545.

ClinVar aggregate classification (germline): Uncertain significance. Review status: criteria provided, multiple submitters, no conflicts (2 of 4 stars). 2 submissions from 2 submitters: Uncertain significance (2). Last evaluated 2025-01-31.

Conditions:
Neuroblastoma, susceptibility to, 3. Also called: ALK-Related Neuroblastic Tumor Susceptibility. Identifiers: Orphanet 635, MedGen C2751681, MONDO:0013083, OMIM 613014.
Hereditary cancer-predisposing syndrome. Also called: Hereditary neoplastic syndrome; Neoplastic Syndromes, Hereditary; Hereditary Cancer Syndrome; Tumor predisposition. Identifiers: Orphanet 140162, MedGen C0027672, MeSH D009386, MONDO:0015356.

Allele frequency attached by ClinVar (database versions not stated): gnomAD exomes 0.00001; ExAC 0.00002.
gnomAD v4.1: 2 of 1,614,214 alleles (0.00012%); highest among the groups gnomAD compares: Non-Finnish European, 0.00017%; no homozygotes.

Submissions (2):

Labcorp Genetics (formerly Invitae), Labcorp
Classification: Uncertain significance for Neuroblastoma, susceptibility to, 3. Last evaluated: 2025-01-31. Review status: criteria provided, single submitter. Criteria: Invitae Variant Classification Sherloc (09022015). Collection method: clinical testing. Allele origin: germline.
Comment: This sequence change replaces histidine, which is basic and polar, with glutamine, which is neutral and polar, at codon 583 of the ALK protein (p.His583Gln). This variant is present in population databases (rs761184891, gnomAD 0.003%). This variant has not been reported in the literature in individuals affected with ALK-related conditions. ClinVar contains an entry for this variant (Variation ID: 573537). An algorithm developed to predict the effect of missense changes on protein structure and function outputs the following: PolyPhen-2: "Benign". The glutamine amino acid residue is found in multiple mammalian species, which suggests that this missense change does not adversely affect protein function. In summary, the available evidence is currently insufficient to determine the role of this variant in disease. Therefore, it has been classified as a Variant of Uncertain Significance.

Ambry Genetics
Classification: Uncertain significance for Hereditary cancer-predisposing syndrome. Last evaluated: 2024-11-22. Review status: criteria provided, single submitter. Criteria: Ambry Variant Classification Scheme 2023. Collection method: clinical testing. Allele origin: germline.
Comment: The p.H583Q variant (also known as c.1749T>A), located in coding exon 9 of the ALK gene, results from a T to A substitution at nucleotide position 1749. The histidine at codon 583 is replaced by glutamine, an amino acid with highly similar properties. This amino acid position is conserved. In addition, this alteration is predicted to be tolerated by in silico analysis. Based on the available evidence, the clinical significance of this variant remains unclear.